The following is an entry in ClinVar:

ClinVar aggregate classification (germline): Benign/Likely benign (0 of 4 stars; one submission).

Submission:

GeneDx
Classification: Benign/Likely benign. Last evaluated: 2011-04-30. Review status: no assertion criteria provided. Collection method: clinical testing. Allele origin: not provided. Affected: yes. Observed: 2 variant alleles.
Comment: Likely benign (1), Benign (1)

GRCh38/hg38 Xq23(chrX:114983873-115160979)x2

Genes: IL13RA2 (interleukin 13 receptor subunit alpha 2; minus strand), LRCH2 (leucine rich repeats and calponin homology domain containing 2; minus strand), SNORA35B (small nucleolar RNA, H/ACA box 35B; minus strand). Cytogenetic location: Xq23.
Variant type: copy number gain.
Change: copy number 2 of chrX:114,983,873-115,160,979 (177.1 kb, GRCh38 coordinates, 1-based), cytogenetic band Xq23.
Identifiers: ClinVar variation 145122 (VCV000145122.1).